The following is an entry in ClinVar:

ClinVar aggregate classification (germline): Benign. Review status: criteria provided, multiple submitters, no conflicts (2 of 4 stars). 2 submissions from 2 submitters: Benign (2). Last evaluated 2018-06-16.

Allele frequency attached by ClinVar (database versions not stated): 1000 Genomes Project 30x 0.73079; 1000 Genomes Project 0.73622; TOPMed 0.81744; gnomAD 0.83387 and 0.83910.
gnomAD v4.1: 127,093 of 152,196 alleles (84%); highest among the groups gnomAD compares: Non-Finnish European, 95%; 54,536 homozygotes.

Submissions (2):

GeneDx
Classification: Benign. Last evaluated: 2018-06-16. Review status: criteria provided, single submitter. Criteria: GeneDx Variant Classification (06012015). Collection method: clinical testing. Allele origin: germline. Affected: yes.
Comment: This variant is considered likely benign or benign based on one or more of the following criteria: it is a conservative change, it occurs at a poorly conserved position in the protein, it is predicted to be benign by multiple in silico algorithms, and/or has population frequency not consistent with disease.

Breakthrough Genomics
Classification: Benign. Review status: criteria provided, single submitter. Criteria: ACMG Guidelines, 2015. Collection method: not provided. Allele origin: germline. Inheritance: Autosomal recessive inheritance. Affected: yes.

NM_001360.3(DHCR7):c.627-167G>A

Gene: DHCR7 (7-dehydrocholesterol reductase; minus strand). Cytogenetic location: 11q13.4.
Variant type: single nucleotide variant.
Coding change: c.627-167G>A on transcript NM_001360.3 (MANE Select); 167 bases into the intron before coding-DNA position 627, G replaced by A.
Molecular consequence: intron variant.
Genome position (GRCh38, 1-based): chr11:71,439,250, C>T on the plus strand (G>A on the coding strand, the complement: DHCR7 is on the minus strand). VCF-style: chr11-71439250-C-T. GRCh37 (hg19) VCF-style: chr11-71150296-C-T.
Other names: c.627-167G>A (NM_001163817.2).
Identifiers: ClinVar variation 679282 (VCV000679282.2), dbSNP rs1790325, ClinGen allele CA13387450.